The following is an entry in ClinVar:

ClinVar aggregate classification (germline): Uncertain significance. Review status: criteria provided, multiple submitters, no conflicts (2 of 4 stars). 3 submissions from 3 submitters: Uncertain significance (3). Last evaluated 2026-02-10.

Conditions:
Autosomal dominant Alport syndrome (ATS3A). Also called: Alport syndrome dominant type; Renal failure and sensorineural hearing loss; ALPORT SYNDROME 3A, AUTOSOMAL DOMINANT. Identifiers: Orphanet 63, Orphanet 88918, MedGen C5882663, MONDO:0007086, OMIM 104200.
Hematuria, benign familial, 2 (BFH2). Identifiers: MedGen C5830421, MONDO:0958186, OMIM 620320.
Alport syndrome 3b, autosomal recessive. Identifiers: MedGen C5882699, MONDO:0957811, OMIM 620536.

Submissions (3):

GeneDx
Classification: Uncertain significance. Last evaluated: 2026-02-10. Review status: criteria provided, single submitter. Criteria: GeneDx Variant Classification Process June 2021. Collection method: clinical testing. Allele origin: germline.
Comment: Not observed at significant frequency in large population cohorts (gnomAD); In silico analysis suggests that this missense variant does not alter protein structure/function; Occurs in the triple helical domain at the X position in the canonical Gly-X-Y repeat; although this variant may have an effect on normal protein folding and function, missense substitution at the X position is not a common mechanism of disease; Has not been previously published as pathogenic or benign to our knowledge

Labcorp Genetics (formerly Invitae), Labcorp
Classification: Uncertain significance. Last evaluated: 2025-06-12. Review status: criteria provided, single submitter. Criteria: Invitae Variant Classification Sherloc (09022015). Collection method: clinical testing. Allele origin: germline.
Comment: This sequence change replaces methionine, which is neutral and non-polar, with valine, which is neutral and non-polar, at codon 1022 of the COL4A3 protein (p.Met1022Val). This variant is present in population databases (rs771180263, gnomAD 0.007%). This variant has not been reported in the literature in individuals affected with COL4A3-related conditions. ClinVar contains an entry for this variant (Variation ID: 3586081). Invitae Evidence Modeling of protein sequence and biophysical properties (such as structural, functional, and spatial information, amino acid conservation, physicochemical variation, residue mobility, and thermodynamic stability) indicates that this missense variant is not expected to disrupt COL4A3 protein function with a negative predictive value of 95%. In summary, the available evidence is currently insufficient to determine the role of this variant in disease. Therefore, it has been classified as a Variant of Uncertain Significance.

Fulgent Genetics
Classification: Uncertain significance for Autosomal dominant Alport syndrome; Hematuria, benign familial, 2; Alport syndrome 3b, autosomal recessive. Last evaluated: 2024-01-03. Review status: criteria provided, single submitter. Criteria: ACMG Guidelines, 2015. Collection method: clinical testing. Allele origin: germline.

NM_000091.5(COL4A3):c.3064A>G (p.Met1022Val)

Genes: COL4A3 (collagen type IV alpha 3 chain; plus strand), MFF-DT (MFF divergent transcript; minus strand). Cytogenetic location: 2q36.3.
Variant type: single nucleotide variant.
Coding change: c.3064A>G on transcript NM_000091.5 (MANE Select); coding-DNA position 3064, A replaced by G.
Protein change: p.Met1022Val; replaces methionine 1022 with valine.
Molecular consequence: missense variant.
Genome position (GRCh38, 1-based): chr2:227,290,082, A>G. VCF-style: chr2-227290082-A-G. GRCh37 (hg19) VCF-style: chr2-228154798-A-G.
Other names: short protein forms M1022V.
Identifiers: ClinVar variation 3586081 (VCV003586081.3).